The following continues an entry in ClinVar:

NM_000492.4(CFTR):c.1657C>T (p.Arg553Ter)

ClinVar aggregate classification (germline): Pathogenic. Pathogenic (1).

Submissions 27 to 33 of 33:

Juno Genomics, Hangzhou Juno Genomics, Inc
Classification: Pathogenic for Congenital bilateral aplasia of vas deferens from CFTR mutation; Cystic fibrosis. Review status: criteria provided, single submitter. Criteria: ACMG Guidelines, 2015. Collection method: clinical testing. Allele origin: germline. Affected: yes. Not counted in ClinVar's aggregate classification.
Comment: Absent from controls (or at extremely low frequency if recessive) in Genome Aggregation Database, Exome Sequencing Project, 1000 Genomes Project, or Exome Aggregation Consortium.;Null variant in a gene where loss of function (LOF) is a known mechanism of disease.;For recessive disorders, detected in trans with a pathogenic variant.

Department of Urology, First Affiliated Hospital of Nanjing Medical University
Classification: Pathogenic for Cystic fibrosis. Last evaluated: 2023-12-25. Review status: no assertion criteria provided. Collection method: clinical testing. Allele origin: paternal, maternal. Affected: yes. Observed: 2 variant alleles. Not counted in ClinVar's aggregate classification.

OMIM
Classification: Pathogenic for CYSTIC FIBROSIS. Last evaluated: 2007-05-01. Review status: no assertion criteria provided. Collection method: literature only. Allele origin: germline. Not counted in ClinVar's aggregate classification.

Clinical Genetics DNA and cytogenetics Diagnostics Lab, Erasmus MC, Erasmus Medical Center
Classification: Pathogenic. Review status: no assertion criteria provided. Collection method: clinical testing. Allele origin: germline. Affected: yes. Study: VKGL Data-share Consensus. Not counted in ClinVar's aggregate classification.

Diagnostic Laboratory, Department of Genetics, University Medical Center Groningen
Classification: Pathogenic. Review status: no assertion criteria provided. Collection method: clinical testing. Allele origin: germline. Affected: yes. Study: VKGL Data-share Consensus. Not counted in ClinVar's aggregate classification.

GeneReviews
No classification provided. Condition: Cystic fibrosis. Review status: no classification provided. Collection method: literature only. Allele origin: unknown. Not counted in ClinVar's aggregate classification.

Joint Genome Diagnostic Labs from Nijmegen and Maastricht, Radboudumc and MUMC+
Classification: Pathogenic. Review status: no assertion criteria provided. Collection method: clinical testing. Allele origin: germline. Affected: yes. Study: VKGL Data-share Consensus. Not counted in ClinVar's aggregate classification.

Literature cited by the submitters: PMC 3110945 (cited by American College of Medical Genetics and Genomics  (ACMG)); PubMed 1695717 (cited by 6 submitters); PubMed 7691345 (cited by Labcorp Genetics (formerly Invitae), Labcorp); PubMed 9725922 (cited by Labcorp Genetics (formerly Invitae), Labcorp); PubMed 7693946 (cited by 4 submitters); PubMed 9272157 (cited by Labcorp Genetics (formerly Invitae), Labcorp and Dasa); PubMed 16283068 (cited by 5 submitters); PubMed 21520337 (cited by 3 submitters); PubMed 22658665 (cited by 3 submitters); PubMed 23974870 (cited by 5 submitters); PubMed 35858753 (cited by Natera, Inc.); PubMed 11924117 (cited by Quest Diagnostics Nichols Institute San Juan Capistrano); PubMed 15482777 (cited by Quest Diagnostics Nichols Institute San Juan Capistrano and Illumina Laboratory Services, Illumina); PubMed 1682496 (cited by 3 submitters); PubMed 1715308 (cited by Quest Diagnostics Nichols Institute San Juan Capistrano); PubMed 1723032 (cited by Quest Diagnostics Nichols Institute San Juan Capistrano); PubMed 18456578 (cited by Quest Diagnostics Nichols Institute San Juan Capistrano); PubMed 19176844 (cited by Quest Diagnostics Nichols Institute San Juan Capistrano); PubMed 20021716 (cited by Quest Diagnostics Nichols Institute San Juan Capistrano); PubMed 21097845 (cited by Quest Diagnostics Nichols Institute San Juan Capistrano and Illumina Laboratory Services, Illumina); PubMed 22020151 (cited by Quest Diagnostics Nichols Institute San Juan Capistrano); PubMed 22975760 (cited by Quest Diagnostics Nichols Institute San Juan Capistrano); PubMed 25087612 (cited by Quest Diagnostics Nichols Institute San Juan Capistrano); PubMed 25525159 (cited by Quest Diagnostics Nichols Institute San Juan Capistrano); PubMed 25869325 (cited by Quest Diagnostics Nichols Institute San Juan Capistrano); PubMed 29261177 (cited by Quest Diagnostics Nichols Institute San Juan Capistrano); PubMed 30487145 (cited by Quest Diagnostics Nichols Institute San Juan Capistrano); PubMed 30842938 (cited by Quest Diagnostics Nichols Institute San Juan Capistrano); PubMed 31036917 (cited by Quest Diagnostics Nichols Institute San Juan Capistrano); PubMed 31589614 (cited by Quest Diagnostics Nichols Institute San Juan Capistrano); PubMed 32429104 (cited by Quest Diagnostics Nichols Institute San Juan Capistrano); PubMed 32539862 (cited by Quest Diagnostics Nichols Institute San Juan Capistrano); PubMed 32777524 (cited by Quest Diagnostics Nichols Institute San Juan Capistrano); PubMed 7545856 (cited by Quest Diagnostics Nichols Institute San Juan Capistrano); PubMed 9806422 (cited by Quest Diagnostics Nichols Institute San Juan Capistrano); PubMed 25580864 (cited by Quest Diagnostics Nichols Institute San Juan Capistrano and Illumina Laboratory Services, Illumina); PubMed 28603918 (cited by Quest Diagnostics Nichols Institute San Juan Capistrano); PubMed 29590070 (cited by Quest Diagnostics Nichols Institute San Juan Capistrano); PubMed 21783433 (cited by Illumina Laboratory Services, Illumina); PubMed 17475917 (cited by Illumina Laboratory Services, Illumina and OMIM); PubMed 1518030 (cited by Illumina Laboratory Services, Illumina and OMIM); PubMed 2233965 (cited by Illumina Laboratory Services, Illumina and OMIM); PubMed 15480987 (cited by Women's Health and Genetics/Laboratory Corporation of America, LabCorp); PubMed 1721624 (cited by Women's Health and Genetics/Laboratory Corporation of America, LabCorp); PubMed 12767731 (cited by Women's Health and Genetics/Laboratory Corporation of America, LabCorp); PubMed 15371902 (cited by Women's Health and Genetics/Laboratory Corporation of America, LabCorp and GeneReviews); Hamosh, A. Personal Communication. 2018. Baltimore, Md. (cited by OMIM); PubMed 20301428 (cited by GeneReviews).